The following is an entry in ClinVar:

ClinVar aggregate classification (germline): Uncertain significance (1 of 4 stars; one submission).

Conditions:
TTN-related disorder. Also called: TTN-related disorders; TTN-related condition; TTN-related disease.

gnomAD v4.1: 6 of 1,613,888 alleles (0.00037%); highest among the groups gnomAD compares: Admixed American, 0.0033%; no homozygotes.

Submission:

PreventionGenetics, part of Exact Sciences
Classification: Uncertain significance for TTN-related condition. Last evaluated: 2025-09-05. Review status: criteria provided, single submitter. Criteria: ACMG Guidelines, 2015. Collection method: clinical testing. Allele origin: germline.
Comment: The TTN c.2131C>G variant is predicted to result in the amino acid substitution p.Gln711Glu. To our knowledge, this variant has not been reported in the literature or in a large population database (gnomAD), indicating this variant is rare. At this time, the clinical significance of this variant is uncertain due to the absence of conclusive functional and genetic evidence.

NM_001267550.2(TTN):c.2131C>G (p.Gln711Glu)

Gene: TTN (titin; minus strand). Cytogenetic location: 2q31.2.
Variant type: single nucleotide variant.
Coding change: c.2131C>G on transcript NM_001267550.2 (MANE Select); coding-DNA position 2131, C replaced by G.
Protein change: p.Gln711Glu; replaces glutamine 711 with glutamic acid.
Molecular consequence: missense variant.
Genome position (GRCh38, 1-based): chr2:178,786,087, G>C on the plus strand (C>G on the coding strand, the complement: TTN is on the minus strand). VCF-style: chr2-178786087-G-C. GRCh37 (hg19) VCF-style: chr2-179650814-G-C.
Other names: c.2131C>G, p.Gln711Glu (NM_001256850.1, NM_133378.4, NM_133379.5); c.1993C>G, p.Gln665Glu (NM_003319.4, NM_133432.3, NM_133437.4); short protein forms Q665E, Q711E.
Identifiers: ClinVar variation 4989700 (VCV004989700.1).